The following is an entry in ClinVar:

NM_014332.3(SMPX):c.232del (p.Ser78fs)

Gene: SMPX (small muscle protein X-linked; minus strand). Cytogenetic location: Xp22.12.
Variant type: Deletion.
Coding change: c.232del on transcript NM_014332.3 (MANE Select); coding-DNA position 232, one base deleted (A; older notation c.232delA).
Protein change: p.Ser78fs; shifts the reading frame from serine 78.
Molecular consequence: frameshift variant. On other transcripts: non-coding transcript variant (1).
Genome position (GRCh38, 1-based): chrX:21,737,598, T deleted on the plus strand (A on the coding strand, the reverse complement: SMPX is on the minus strand); the first of 4 consecutive T bases (chrX:21,737,598-21,737,601); deleting any one gives the same sequence. VCF-style (leftmost placement, unchanged base first): chrX-21737597-CT-C. GRCh37 (hg19) VCF-style: chrX-21755715-CT-C.
Other names: short protein forms S78fs.
Identifiers: ClinVar variation 4055831 (VCV004055831.3).

ClinVar aggregate classification (germline): Conflicting classifications of pathogenicity. Review status: criteria provided, conflicting classifications (1 of 4 stars). 2 submissions from 2 submitters: Likely pathogenic (1); Uncertain significance (1). Last evaluated 2026-04-22.

Submissions (2):

GeneDx
Classification: Likely pathogenic. Last evaluated: 2026-04-22. Review status: criteria provided, single submitter. Criteria: GeneDx Variant Classification Process June 2021. Collection method: clinical testing. Allele origin: germline.
Comment: Frameshift variant predicted to result in abnormal protein length as the last 11 amino acid(s) are replaced with 2 different amino acid(s), and other similar variants have been reported in HGMD; Not observed at significant frequency in large population cohorts (gnomAD); Has not been previously published as pathogenic or benign to our knowledge

Labcorp Genetics (formerly Invitae), Labcorp
Classification: Uncertain significance. Last evaluated: 2025-04-22. Review status: criteria provided, single submitter. Criteria: Invitae Variant Classification Sherloc (09022015). Collection method: clinical testing. Allele origin: germline.
Comment: This sequence change creates a premature translational stop signal (p.Ser78Valfs*3) in the SMPX gene. While this is not anticipated to result in nonsense mediated decay, it is expected to disrupt the last 11 amino acid(s) of the SMPX protein. This variant is not present in population databases (gnomAD no frequency). This variant has not been reported in the literature in individuals affected with SMPX-related conditions. Experimental studies and prediction algorithms are not available or were not evaluated, and the functional significance of this variant is currently unknown. This variant disrupts a region of the SMPX protein in which other variant(s) (p.Gln88Glu) have been observed in individuals with SMPX-related conditions (PMID: 33708524). This suggests that this is a clinically significant region of the protein, and that variants that disrupt it are likely to be disease-causing. In summary, the available evidence is currently insufficient to determine the role of this variant in disease. Therefore, it has been classified as a Variant of Uncertain Significance.

Literature cited by the submitters: PubMed 33708524 (cited by Labcorp Genetics (formerly Invitae), Labcorp).